The following is an entry in ClinVar:

ClinVar aggregate classification (germline): Uncertain significance (1 of 4 stars; one submission).

Submission:

Labcorp Genetics (formerly Invitae), Labcorp
Classification: Uncertain significance. Last evaluated: 2023-12-22. Review status: criteria provided, single submitter. Criteria: Invitae Variant Classification Sherloc (09022015). Collection method: clinical testing. Allele origin: germline.
Comment: A copy number gain of the genomic region encompassing the full coding sequence of the SNIP1 gene has been identified. The boundaries of this event are unknown as they extend beyond the assayed region for this gene and therefore may encompass additional genes. As the precise location of this event is unknown, it may be in tandem or it may be located elsewhere in the genome. This variant has not been reported in the literature in individuals affected with SNIP1-related conditions. In summary, the available evidence is currently insufficient to determine the role of this variant in disease. Therefore, it has been classified as a Variant of Uncertain Significance.

NC_000001.10:g.(?_38003349)_(38273852_?)dup

Genes: AIRIM (AFG2 interacting ribosome maturation factor; minus strand), C1orf122 (chromosome 1 open reading frame 122; plus strand), CDCA8 (cell division cycle associated 8; plus strand), DNALI1 (dynein axonemal light intermediate chain 1; plus strand), EPHA10 (EPH receptor A10; minus strand) and 5 more. Cytogenetic location: 1p34.3.
Variant type: Duplication.
Identifiers: ClinVar variation 2426871 (VCV002426871.4).